The following is an entry in ClinVar:

NM_005559.4(LAMA1):c.485G>A (p.Arg162His)

Gene: LAMA1 (laminin subunit alpha 1; minus strand). Cytogenetic location: 18p11.31.
Variant type: single nucleotide variant.
Coding change: c.485G>A on transcript NM_005559.4 (MANE Select); coding-DNA position 485, G replaced by A.
Protein change: p.Arg162His; replaces arginine 162 with histidine.
Molecular consequence: missense variant.
Genome position (GRCh38, 1-based): chr18:7,050,797, C>T on the plus strand (G>A on the coding strand, the complement: LAMA1 is on the minus strand). VCF-style: chr18-7050797-C-T. GRCh37 (hg19) VCF-style: chr18-7050796-C-T.
Other names: short protein forms R162H.
Identifiers: ClinVar variation 1463281 (VCV001463281.11), dbSNP rs759415734, ClinGen allele CA8883285.

ClinVar aggregate classification (germline): Uncertain significance. Review status: criteria provided, multiple submitters, no conflicts (2 of 4 stars). 5 submissions from 5 submitters: Uncertain significance (5). Last evaluated 2025-04-29.

Conditions:
Ataxia - intellectual disability - oculomotor apraxia - cerebellar cysts syndrome. Also called: Poretti-Boltshauser syndrome. Identifiers: Orphanet 370022, MedGen C4014821, MONDO:0014419, OMIM 615960.

Allele frequency attached by ClinVar (database versions not stated): gnomAD 0.00011; TOPMed 0.00015.
gnomAD v4.1: 233 of 1,614,038 alleles (0.014%); highest among the groups gnomAD compares: Admixed American, 0.022%; no homozygotes.

Submissions (5):

GeneDx
Classification: Uncertain significance. Last evaluated: 2025-04-29. Review status: criteria provided, single submitter. Criteria: GeneDx Variant Classification Process June 2021. Collection method: clinical testing. Allele origin: germline. Affected: yes.
Comment: In silico analysis supports that this missense variant has a deleterious effect on protein structure/function; Has not been previously published as pathogenic or benign to our knowledge

Labcorp Genetics (formerly Invitae), Labcorp
Classification: Uncertain significance. Last evaluated: 2023-12-06. Review status: criteria provided, single submitter. Criteria: Invitae Variant Classification Sherloc (09022015). Collection method: clinical testing. Allele origin: germline.
Comment: This sequence change replaces arginine, which is basic and polar, with histidine, which is basic and polar, at codon 162 of the LAMA1 protein (p.Arg162His). This variant is present in population databases (rs759415734, gnomAD 0.03%). This variant has not been reported in the literature in individuals affected with LAMA1-related conditions. ClinVar contains an entry for this variant (Variation ID: 1463281). Algorithms developed to predict the effect of missense changes on protein structure and function output the following: SIFT: "Not Available"; PolyPhen-2: "Benign"; Align-GVGD: "Not Available". The histidine amino acid residue is found in multiple mammalian species, which suggests that this missense change does not adversely affect protein function. In summary, the available evidence is currently insufficient to determine the role of this variant in disease. Therefore, it has been classified as a Variant of Uncertain Significance.

Blueprint Genetics
Classification: Uncertain significance. Last evaluated: 2023-12-04. Review status: criteria provided, single submitter. Criteria: ACMG Guidelines, 2015. Collection method: clinical testing. Allele origin: germline.

Victorian Clinical Genetics Services, Murdoch Childrens Research Institute
Classification: Uncertain significance for Ataxia - intellectual disability - oculomotor apraxia - cerebellar cysts syndrome. Last evaluated: 2022-02-02. Review status: criteria provided, single submitter. Criteria: ACMG Guidelines, 2015. Collection method: clinical testing. Allele origin: germline. Inheritance: Autosomal recessive inheritance.
Comment: Based on the classification scheme VCGS_Germline_v1.3.4, this variant is classified as VUS-3C. Following criteria are met: 0102 - Loss of function is a known mechanism of disease in this gene and is associated with Poretti-Boltshauser syndrome (MIM#615960). (I) 0106 - This gene is associated with autosomal recessive disease. (I) 0200 - Variant is predicted to result in a missense amino acid change from arginine to histidine. (I) 0251 - This variant is heterozygous. (I) 0304 - Variant is present in gnomAD (v2) <0.01 for a recessive condition (37 heterozygotes, 0 homozygotes). (SP) 0309 - An alternative amino acid change at the same position has been observed in gnomAD (v2) (4 heterozygotes, 0 homozygotes). (I) 0503 - Missense variant consistently predicted to be tolerated by multiple in silico tools or not conserved in placental mammals with a minor amino acid change. (SB) 0600 - Variant is located in the annotated laminin N-terminal domain (UniProt, NCBI). (I) 0705 - No comparable missense variants have previous evidence for pathogenicity. However, a missense variant of stronger grantham change (p.(Arg162Cys)) has been reported as a VUS (LOVD). (I) 0807 - This variant has no previous evidence of pathogenicity. (I) 0905 - No published segregation evidence has been identified for this variant. (I) 1007 - No published functional evidence has been identified for this variant. (I) 1208 - Inheritance information for this variant is not currently available in this individual. (I) Legend: (SP) - Supporting pathogenic, (I) - Information, (SB) - Supporting benign

Breakthrough Genomics
Classification: Uncertain significance. Review status: criteria provided, single submitter. Criteria: ACMG Guidelines, 2015. Collection method: not provided. Allele origin: germline. Inheritance: Autosomal recessive inheritance. Affected: yes.